The following is an entry in ClinVar:

ClinVar aggregate classification (germline): Benign (1 of 4 stars; one submission).

Allele frequency attached by ClinVar (database versions not stated): 1000 Genomes Project 30x 0.65834; gnomAD 0.65972 and 0.66877; TOPMed 0.66076; 1000 Genomes Project 0.66833.
gnomAD v4.1: 101,791 of 151,874 alleles (67%); highest among the groups gnomAD compares: East Asian, 88%; 36,934 homozygotes.

Submission:

GeneDx
Classification: Benign. Last evaluated: 2018-06-19. Review status: criteria provided, single submitter. Criteria: GeneDx Variant Classification (06012015). Collection method: clinical testing. Allele origin: germline. Affected: yes.
Comment: This variant is considered likely benign or benign based on one or more of the following criteria: it is a conservative change, it occurs at a poorly conserved position in the protein, it is predicted to be benign by multiple in silico algorithms, and/or has population frequency not consistent with disease.

NM_022132.5(MCCC2):c.1488+312C>T

Gene: MCCC2 (methylcrotonyl-CoA carboxylase subunit 2; plus strand). Cytogenetic location: 5q13.2.
Variant type: single nucleotide variant.
Coding change: c.1488+312C>T on transcript NM_022132.5 (MANE Select); 312 bases into the intron after coding-DNA position 1488, C replaced by T.
Molecular consequence: intron variant.
Genome position (GRCh38, 1-based): chr5:71,650,495, C>T. VCF-style: chr5-71650495-C-T. GRCh37 (hg19) VCF-style: chr5-70946322-C-T.
Other names: c.1374+312C>T (NM_001363147.1).
Identifiers: ClinVar variation 684224 (VCV000684224.1), dbSNP rs7380859, ClinGen allele CA12028613.